The following is an entry in ClinVar:

NM_000222.3(KIT):c.1051A>G (p.Met351Val)

Gene: KIT (KIT proto-oncogene, receptor tyrosine kinase; plus strand). Cytogenetic location: 4q12.
Variant type: single nucleotide variant.
Coding change: c.1051A>G on transcript NM_000222.3 (MANE Select); coding-DNA position 1051, A replaced by G.
Protein change: p.Met351Val; replaces methionine 351 with valine.
Molecular consequence: missense variant.
Genome position (GRCh38, 1-based): chr4:54,707,223, A>G. VCF-style: chr4-54707223-A-G. GRCh37 (hg19) VCF-style: chr4-55573389-A-G.
Other names: c.1051A>G, p.Met351Val (NM_001093772.2, NM_001385285.1, NM_001385286.1); c.1054A>G, p.Met352Val (NM_001385284.1, NM_001385288.1, NM_001385290.1 and 1 more transcripts); short protein forms M351V, M352V.
Identifiers: ClinVar variation 840821 (VCV000840821.11), dbSNP rs1720845704, ClinGen allele CA356901051.

ClinVar aggregate classification (germline): Uncertain significance. Review status: criteria provided, multiple submitters, no conflicts (2 of 4 stars). 2 submissions from 2 submitters: Uncertain significance (2). Last evaluated 2023-11-16.

Conditions:
Gastrointestinal stromal tumor. Also called: Gastrointestinal stromal tumor, somatic; Gastrointestinal stroma tumor. Identifiers: Orphanet 44890, MedGen C0238198, MeSH D046152, MONDO:0011719, OMIM 606764, HP:0100723.
Hereditary cancer-predisposing syndrome. Also called: Neoplastic Syndromes, Hereditary; Tumor predisposition; Hereditary Cancer Syndrome; Hereditary neoplastic syndrome. Identifiers: Orphanet 140162, MedGen C0027672, MeSH D009386, MONDO:0015356.

Allele frequency attached by ClinVar (database versions not stated): gnomAD exomes below 0.00001.
gnomAD v4.1: 1 of 1,612,358 alleles (0.000062%); highest among the groups gnomAD compares: African/African-American, 0.0013%; no homozygotes.

Submissions (2):

Ambry Genetics
Classification: Uncertain significance for Hereditary cancer-predisposing syndrome. Last evaluated: 2023-11-16. Review status: criteria provided, single submitter. Criteria: Ambry Variant Classification Scheme 2023. Collection method: clinical testing. Allele origin: germline.
Comment: The p.M351V variant (also known as c.1051A>G), located in coding exon 6 of the KIT gene, results from an A to G substitution at nucleotide position 1051. The methionine at codon 351 is replaced by valine, an amino acid with highly similar properties. This amino acid position is conserved. In addition, this alteration is predicted to be tolerated by in silico analysis. Since supporting evidence is limited at this time, the clinical significance of this alteration remains unclear.

Labcorp Genetics (formerly Invitae), Labcorp
Classification: Uncertain significance for Gastrointestinal stromal tumor. Last evaluated: 2022-11-11. Review status: criteria provided, single submitter. Criteria: Invitae Variant Classification Sherloc (09022015). Collection method: clinical testing. Allele origin: germline.
Comment: This sequence change replaces methionine, which is neutral and non-polar, with valine, which is neutral and non-polar, at codon 351 of the KIT protein (p.Met351Val). This variant is not present in population databases (gnomAD no frequency). This variant has not been reported in the literature in individuals affected with KIT-related conditions. ClinVar contains an entry for this variant (Variation ID: 840821). Algorithms developed to predict the effect of missense changes on protein structure and function (SIFT, PolyPhen-2, Align-GVGD) all suggest that this variant is likely to be tolerated. In summary, the available evidence is currently insufficient to determine the role of this variant in disease. Therefore, it has been classified as a Variant of Uncertain Significance.